The following is an entry in ClinVar:

NM_002911.4(UPF1):c.1001_1002del (p.Asp334fs)

Gene: UPF1 (UPF1 RNA helicase and ATPase; plus strand). Cytogenetic location: 19p13.11.
Variant type: Deletion.
Coding change: c.1001_1002del on transcript NM_002911.4 (MANE Select); coding-DNA positions 1001 to 1002, 2 bases deleted (AC; older notation c.1001_1002delAC).
Protein change: p.Asp334fs; shifts the reading frame from aspartic acid 334.
Molecular consequence: frameshift variant.
Genome position (GRCh38, 1-based): chr19:18,853,015-18,853,016, AC deleted. VCF-style (leftmost placement, unchanged base first): chr19-18853014-GAC-G. GRCh37 (hg19) VCF-style: chr19-18963823-GAC-G.
Other names: c.1001_1002del, p.Asp334fs (NM_001297549.2); short protein forms D334fs.
Identifiers: ClinVar variation 4831641 (VCV004831641.1).

ClinVar aggregate classification (germline): Uncertain significance (1 of 4 stars; one submission).

Submission:

Ambry Genetics
Classification: Uncertain significance. Last evaluated: 2026-02-25. Review status: criteria provided, single submitter. Criteria: Ambry Variant Classification Scheme 2023. Collection method: clinical testing. Allele origin: germline.
Comment: The c.1001_1002delAC (p.D334Afs*4) alteration, located in coding exon 7 of the UPF1 gene, consists of a deletion of 2 nucleotides from position 1001 to 1002, causing a translational frameshift with a predicted alternate stop codon after 4 amino acids. This alteration is expected to result in premature protein truncation or nonsense-mediated mRNA decay. However, loss of function of UPF1 has not been established as a mechanism of disease. This variant was not reported in population-based cohorts in the Genome Aggregation Database (gnomAD). Based on insufficient or conflicting evidence, the clinical significance of this alteration remains unclear.